The following is an entry in ClinVar:

NM_002700.3(POU4F3):c.547G>C (p.Asp183His)

Genes: POU4F3 (POU class 4 homeobox 3; plus strand), RBM27-POU4F3 (RBM27-POU4F3 readthrough; plus strand). Cytogenetic location: 5q32.
Variant type: single nucleotide variant.
Coding change: c.547G>C on transcript NM_002700.3 (MANE Select); coding-DNA position 547, G replaced by C.
Protein change: p.Asp183His; replaces aspartic acid 183 with histidine.
Molecular consequence: missense variant.
Genome position (GRCh38, 1-based): chr5:146,339,974, G>C. VCF-style: chr5-146339974-G-C. GRCh37 (hg19) VCF-style: chr5-145719537-G-C.
Other names: c.547G>C (NM_002700.2); short protein forms D183H.
Identifiers: ClinVar variation 1516365 (VCV001516365.9), dbSNP rs1760428217, ClinGen allele CA361621085.

ClinVar aggregate classification (germline): Uncertain significance. Review status: criteria provided, multiple submitters, no conflicts (2 of 4 stars). 2 submissions from 2 submitters: Uncertain significance (2). Last evaluated 2024-10-03.

Conditions:
Inborn genetic diseases. Identifiers: MedGen C0950123, MeSH D030342.

Allele frequency attached by ClinVar (database versions not stated): gnomAD exomes below 0.00001; TOPMed below 0.00001.

Submissions (2):

Ambry Genetics
Classification: Uncertain significance for Inborn genetic diseases. Last evaluated: 2024-10-03. Review status: criteria provided, single submitter. Criteria: Ambry Variant Classification Scheme 2023. Collection method: clinical testing. Allele origin: germline.

Labcorp Genetics (formerly Invitae), Labcorp
Classification: Uncertain significance. Last evaluated: 2022-11-08. Review status: criteria provided, single submitter. Criteria: Invitae Variant Classification Sherloc (09022015). Collection method: clinical testing. Allele origin: germline.
Comment: In summary, the available evidence is currently insufficient to determine the role of this variant in disease. Therefore, it has been classified as a Variant of Uncertain Significance. Advanced modeling of protein sequence and biophysical properties (such as structural, functional, and spatial information, amino acid conservation, physicochemical variation, residue mobility, and thermodynamic stability) performed at Invitae indicates that this missense variant is expected to disrupt POU4F3 protein function. ClinVar contains an entry for this variant (Variation ID: 1516365). This variant has not been reported in the literature in individuals affected with POU4F3-related conditions. This variant is not present in population databases (gnomAD no frequency). This sequence change replaces aspartic acid, which is acidic and polar, with histidine, which is basic and polar, at codon 183 of the POU4F3 protein (p.Asp183His).